The following is an entry in ClinVar:

NM_004006.3(DMD):c.1150-2del

Gene: DMD (dystrophin; minus strand). Cytogenetic location: Xp21.1.
Variant type: Deletion.
Coding change: c.1150-2del on transcript NM_004006.3 (MANE Select); the canonical splice acceptor site of the intron before coding-DNA position 1150, one base deleted (A; older notation c.1150-2delA).
Molecular consequence: splice acceptor variant.
Genome position (GRCh38, 1-based): chrX:32,644,315, T deleted on the plus strand (A on the coding strand, the reverse complement: DMD is on the minus strand). VCF-style (leftmost placement, unchanged base first): chrX-32644314-CT-C. GRCh37 (hg19) VCF-style: chrX-32662431-CT-C.
Other names: c.1126-2del (NM_000109.4); c.1138-2del (NM_004009.3); c.781-2del (NM_004010.3).
Identifiers: ClinVar variation 217175 (VCV000217175.1), dbSNP rs863224978, ClinGen allele CA347589.

ClinVar aggregate classification (germline): Pathogenic (1 of 4 stars; one submission).

Conditions:
Duchenne muscular dystrophy (DMD). Also called: MUSCULAR DYSTROPHY, PSEUDOHYPERTROPHIC PROGRESSIVE, DUCHENNE TYPE; Duchenne Muscular Dystrophy (DMD). Identifiers: Orphanet 98896, MedGen C0013264, MONDO:0010679, OMIM 310200.

Submission:

Athena Diagnostics
Classification: Pathogenic for Duchenne muscular dystrophy. Last evaluated: 2014-11-07. Review status: criteria provided, single submitter. Criteria: Athena Diagnostics Criteria. Collection method: clinical testing. Allele origin: germline. Inheritance: X-linked recessive inheritance.
Comment: X-linked recessive inheritance

Literature cited by the submitters: PubMed 23276443.